The following is an entry in ClinVar:

ClinVar aggregate classification (germline): Likely pathogenic (1 of 4 stars; one submission).

Conditions:
Mucopolysaccharidosis type 7 (MPS7). Also called: MPS VII; BETA-GLUCURONIDASE DEFICIENCY; GUSB DEFICIENCY; SLY SYNDROME. Identifiers: Orphanet 584, MedGen C0085132, MONDO:0009662, OMIM 253220.

Submission:

Diagnostics Services (NGS), CSIR - Centre For Cellular And Molecular Biology
Classification: Likely pathogenic for Mucopolysaccharidosis type 7. Last evaluated: 2022-03-09. Review status: criteria provided, single submitter. Criteria: ACMG Guidelines, 2015. Collection method: clinical testing. Allele origin: germline. Inheritance: Autosomal recessive inheritance. Affected: yes. Observed: 1 variant allele, 1 homozygote.
Comment: The c.1469A>G variant is not present in publicly available population databases like 1000 Genomes, Exome Variant Server (EVS), Exome Aggregation Consortium (ExAC), Genome Aggregation Database (gnomAD), dbSNP and Indian Exome Database. The variant is also not present in our in-house exome database. The variant was not previously reported to ClinVar, Human Genome Mutation Database (HGMD) and OMIM databases in any affected individuals. In-silico pathogenicity prediction programs like SIFT, PolyPhen-2, MutationTaster2, CADD etc. predicted this variant to be likely deleterious. The variant located 8 bp from exon-intron junction and may affect mRNA splicing by significant alteration of auxiliary sequences (ESE/ESS) as predicted by online tool Human Splicing Finder.

Literature cited by the submitters: PubMed 14711113; PubMed 30410095.

NM_000181.4(GUSB):c.1469A>G (p.Asp490Gly)

Gene: GUSB (glucuronidase beta; minus strand). Cytogenetic location: 7q11.21.
Variant type: single nucleotide variant.
Coding change: c.1469A>G on transcript NM_000181.4 (MANE Select); coding-DNA position 1469, A replaced by G.
Protein change: p.Asp490Gly; replaces aspartic acid 490 with glycine.
Molecular consequence: missense variant.
Genome position (GRCh38, 1-based): chr7:65,970,289, T>C on the plus strand (A>G on the coding strand, the complement: GUSB is on the minus strand). VCF-style: chr7-65970289-T-C. GRCh37 (hg19) VCF-style: chr7-65435276-T-C.
Other names: c.899A>G, p.Asp300Gly (NM_001293104.2); c.812A>G, p.Asp271Gly (NM_001293105.2); c.1031A>G, p.Asp344Gly (NM_001284290.2); short protein forms D271G, D300G, D344G, D490G.
Identifiers: ClinVar variation 1691280 (VCV001691280.4), dbSNP rs2115900875, ClinGen allele CA367641400.
Genomic context (GRCh38, chr7:65,970,289, plus strand): 5'-GGACAAGCCCAGGCAAAGGCAGGGAGAAGTGGGGTGGGGACCCCCAGGCTCACCCCCTTG[T>C]CTGCTGCATAGTTAGAGTTGCTCACAAAGGTCACAGGCCGGGAGGGGTCCAAGGATTTGG-3'
Protein context (NP_000172.2, residues 480-500): TFVSNSNYAA[Asp490Gly]KGAPYVDVIC